The following is an entry in ClinVar:

ClinVar aggregate classification (germline): Uncertain significance. Review status: criteria provided, multiple submitters, no conflicts (2 of 4 stars). 2 submissions from 2 submitters: Uncertain significance (2). Last evaluated 2025-04-11.

Conditions:
Inborn genetic diseases. Identifiers: MedGen C0950123, MeSH D030342.
Megaconial type congenital muscular dystrophy (MDCMC). Also called: CHKB-Related Muscular Dystrophy; CHKB-Related Muscle Diseases; MUSCULAR DYSTROPHY, CONGENITAL, WITH MITOCHONDRIAL STRUCTURAL ABNORMALITIES. Identifiers: Orphanet 280671, MedGen C1865233, MONDO:0011246, OMIM 602541.

Allele frequency attached by ClinVar (database versions not stated): gnomAD 0.00001 and 0.00003; TOPMed 0.00002; ExAC 0.00012; gnomAD exomes 0.00012; 1000 Genomes Project 0.00020; 1000 Genomes Project 30x 0.00047.
gnomAD v4.1: 95 of 1,613,712 alleles (0.0059%); highest among the groups gnomAD compares: South Asian, 0.087%; 1 homozygote.

Submissions (2):

Ambry Genetics
Classification: Uncertain significance for Inborn genetic diseases. Last evaluated: 2025-04-11. Review status: criteria provided, single submitter. Criteria: Ambry Variant Classification Scheme 2023. Collection method: clinical testing. Allele origin: germline.

Labcorp Genetics (formerly Invitae), Labcorp
Classification: Uncertain significance for Megaconial type congenital muscular dystrophy. Last evaluated: 2022-09-06. Review status: criteria provided, single submitter. Criteria: Invitae Variant Classification Sherloc (09022015). Collection method: clinical testing. Allele origin: germline.
Comment: In summary, the available evidence is currently insufficient to determine the role of this variant in disease. Therefore, it has been classified as a Variant of Uncertain Significance. Algorithms developed to predict the effect of missense changes on protein structure and function (SIFT, PolyPhen-2, Align-GVGD) all suggest that this variant is likely to be tolerated. ClinVar contains an entry for this variant (Variation ID: 658459). This variant has not been reported in the literature in individuals affected with CHKB-related conditions. This variant is present in population databases (rs577953900, gnomAD 0.08%). This sequence change replaces arginine, which is basic and polar, with histidine, which is basic and polar, at codon 314 of the CHKB protein (p.Arg314His).

NM_005198.5(CHKB):c.941G>A (p.Arg314His)

Genes: CHKB-CPT1B (CHKB-CPT1B readthrough (NMD candidate); minus strand), CHKB (choline kinase beta; minus strand). Cytogenetic location: 22q13.33.
Variant type: single nucleotide variant.
Coding change: c.941G>A on transcript NM_005198.5 (MANE Select); coding-DNA position 941, G replaced by A.
Protein change: p.Arg314His; replaces arginine 314 with histidine.
Molecular consequence: missense variant. On other transcripts: non-coding transcript variant (1).
Genome position (GRCh38, 1-based): chr22:50,579,817, C>T on the plus strand (G>A on the coding strand, the complement: CHKB is on the minus strand). VCF-style: chr22-50579817-C-T. GRCh37 (hg19) VCF-style: chr22-51018246-C-T.
Other names: short protein forms R314H.
Identifiers: ClinVar variation 658459 (VCV000658459.10), dbSNP rs577953900, ClinGen allele CA10323563.